The following is an entry in ClinVar:

NM_000180.4(GUCY2D):c.1431del (p.Leu478fs)

Gene: GUCY2D (guanylate cyclase 2D, retinal; plus strand). Cytogenetic location: 17p13.1.
Variant type: Deletion.
Coding change: c.1431del on transcript NM_000180.4 (MANE Select); coding-DNA position 1431, one base deleted (G; older notation c.1431delG).
Protein change: p.Leu478fs; shifts the reading frame from leucine 478.
Molecular consequence: frameshift variant.
Genome position (GRCh38, 1-based): chr17:8,007,112, G deleted; the last of 4 consecutive G bases (chr17:8,007,109-8,007,112); deleting any one gives the same sequence. VCF-style (leftmost placement, unchanged base first): chr17-8007108-TG-T. GRCh37 (hg19) VCF-style: chr17-7910426-TG-T.
Other names: short protein forms L478fs.
Identifiers: ClinVar variation 3756039 (VCV003756039.2).

ClinVar aggregate classification (germline): Pathogenic (1 of 4 stars; one submission).

Conditions:
Leber congenital amaurosis 1 (LCA1). Also called: RETINAL BLINDNESS, CONGENITAL; AMAUROSIS CONGENITA OF LEBER I; Congenital absence of the rods and cones; Leber's congenital tapetoretinal degeneration; Leber's congenital tapetoretinal dysplasia. Identifiers: Orphanet 65, MedGen C2931258, MONDO:0008764, OMIM 204000.
Cone-rod dystrophy 6 (CORD6). Also called: RETINAL CONE DYSTROPHY 2; Cone dystrophy progressive. Identifiers: Orphanet 1872, MedGen C1866293, MONDO:0011143, OMIM 601777.

Submission:

Labcorp Genetics (formerly Invitae), Labcorp
Classification: Pathogenic for Leber congenital amaurosis 1; Cone-rod dystrophy 6. Last evaluated: 2024-04-25. Review status: criteria provided, single submitter. Criteria: Invitae Variant Classification Sherloc (09022015). Collection method: clinical testing. Allele origin: germline.
Comment: This sequence change creates a premature translational stop signal (p.Leu478Trpfs*10) in the GUCY2D gene. It is expected to result in an absent or disrupted protein product. Loss-of-function variants in GUCY2D are known to be pathogenic (PMID: 10951519, 11328726). This variant is not present in population databases (gnomAD no frequency). This variant has not been reported in the literature in individuals affected with GUCY2D-related conditions. For these reasons, this variant has been classified as Pathogenic.

Literature cited by the submitters: PubMed 10951519; PubMed 11328726.